The following is an entry in ClinVar:

NM_152641.4(ARID2):c.3907dup (p.Ser1303fs)

Gene: ARID2 (AT-rich interaction domain 2; plus strand). Cytogenetic location: 12q12.
Variant type: Duplication.
Coding change: c.3907dup on transcript NM_152641.4 (MANE Select); coding-DNA position 3907, one base duplicated (A; older notation c.3907dupA).
Protein change: p.Ser1303fs; shifts the reading frame from serine 1303.
Molecular consequence: frameshift variant.
Genome position (GRCh38, 1-based): chr12:45,852,030, A duplicated; the last of 2 consecutive A bases (chr12:45,852,029-45,852,030); duplicating either gives the same sequence. VCF-style (leftmost placement, unchanged base first): chr12-45852028-C-CA. GRCh37 (hg19) VCF-style: chr12-46245811-C-CA.
Other names: c.3907dup, p.Ser1303fs (NM_001347839.2); short protein forms S1303fs.
Identifiers: ClinVar variation 3945791 (VCV003945791.1).

ClinVar aggregate classification (germline): Pathogenic (1 of 4 stars; one submission).

Conditions:
Inborn genetic diseases. Identifiers: MedGen C0950123, MeSH D030342.

Submission:

Ambry Genetics
Classification: Pathogenic for Inborn genetic diseases. Last evaluated: 2025-05-27. Review status: criteria provided, single submitter. Criteria: Ambry Variant Classification Scheme 2023. Collection method: clinical testing. Allele origin: germline.
Comment: The c.3907dupA (p.S1303Kfs*13) alteration, located in exon 15 (coding exon 15) of the ARID2 gene, consists of a duplication of A at position 3907, causing a translational frameshift with a predicted alternate stop codon after 13 amino acids. This alteration is expected to result in loss of function by premature protein truncation or nonsense-mediated mRNA decay. This variant was not reported in population-based cohorts in the Genome Aggregation Database (gnomAD). Based on the available evidence, this alteration is classified as pathogenic.